The following is an entry in ClinVar:

NM_001271.4(CHD2):c.2000+139G>A

Gene: CHD2 (chromodomain helicase DNA binding protein 2; plus strand). Cytogenetic location: 15q26.1.
Variant type: single nucleotide variant.
Coding change: c.2000+139G>A on transcript NM_001271.4 (MANE Select); 139 bases into the intron after coding-DNA position 2000, G replaced by A.
Molecular consequence: intron variant.
Genome position (GRCh38, 1-based): chr15:92,956,788, G>A. VCF-style: chr15-92956788-G-A. GRCh37 (hg19) VCF-style: chr15-93500018-G-A.
Identifiers: ClinVar variation 677443 (VCV000677443.1), dbSNP rs60312088, ClinGen allele CA274879130.

ClinVar aggregate classification (germline): Likely benign (1 of 4 stars; one submission).

Allele frequency attached by ClinVar (database versions not stated): gnomAD exomes 0.00055; 1000 Genomes Project 30x 0.00422; gnomAD 0.00455 and 0.00488; 1000 Genomes Project 0.00479; TOPMed 0.00509.
gnomAD v4.1: 1,009 of 729,270 alleles (0.14%); highest among the groups gnomAD compares: African/African-American, 1.7%; 8 homozygotes.

Submission:

GeneDx
Classification: Likely benign. Last evaluated: 2018-06-16. Review status: criteria provided, single submitter. Criteria: GeneDx Variant Classification (06012015). Collection method: clinical testing. Allele origin: germline. Affected: yes.
Comment: This variant is considered likely benign or benign based on one or more of the following criteria: it is a conservative change, it occurs at a poorly conserved position in the protein, it is predicted to be benign by multiple in silico algorithms, and/or has population frequency not consistent with disease.